The following is an entry in ClinVar:

ClinVar aggregate classification (germline): Uncertain significance. Review status: criteria provided, multiple submitters, no conflicts (2 of 4 stars). 2 submissions from 2 submitters: Uncertain significance (2). Last evaluated 2025-12-16.

Conditions:
Hereditary spastic paraplegia 11. Also called: Nakamura Osame syndrome; Autosomal recessive hereditary spastic paraplegia, mental impairment, and thin corpus callosum; SPASTIC PARAPLEGIA, AUTOSOMAL RECESSIVE, COMPLICATED, WITH THIN CORPUS CALLOSUM; SPASTIC PARAPLEGIA, AUTOSOMAL RECESSIVE, WITH MENTAL IMPAIRMENT AND THIN CORPUS CALLOSUM; Spastic paraplegia, mental retardation and thin corpus callosum; Spastic Paraplegia 11. Identifiers: Orphanet 2822, MedGen C1858479, MONDO:0011445, OMIM 604360.
Inborn genetic diseases. Identifiers: MedGen C0950123, MeSH D030342.

Allele frequency attached by ClinVar (database versions not stated): gnomAD 0.00001; gnomAD exomes below 0.00001; TOPMed 0.00002.
gnomAD v4.1: 3 of 1,612,146 alleles (0.00019%); highest among the groups gnomAD compares: Admixed American, 0.0033%; no homozygotes.

Submissions (2):

Ambry Genetics
Classification: Uncertain significance for Inborn genetic diseases. Last evaluated: 2025-12-16. Review status: criteria provided, single submitter. Criteria: Ambry Variant Classification Scheme 2023. Collection method: clinical testing. Allele origin: germline.

Labcorp Genetics (formerly Invitae), Labcorp
Classification: Uncertain significance for Hereditary spastic paraplegia 11. Last evaluated: 2024-10-29. Review status: criteria provided, single submitter. Criteria: Invitae Variant Classification Sherloc (09022015). Collection method: clinical testing. Allele origin: germline.
Comment: This sequence change replaces lysine, which is basic and polar, with glutamic acid, which is acidic and polar, at codon 561 of the SPG11 protein (p.Lys561Glu). This variant is present in population databases (no rsID available, gnomAD 0.003%). This variant has not been reported in the literature in individuals affected with SPG11-related conditions. ClinVar contains an entry for this variant (Variation ID: 466507). Invitae Evidence Modeling of protein sequence and biophysical properties (such as structural, functional, and spatial information, amino acid conservation, physicochemical variation, residue mobility, and thermodynamic stability) indicates that this missense variant is not expected to disrupt SPG11 protein function with a negative predictive value of 80%. In summary, the available evidence is currently insufficient to determine the role of this variant in disease. Therefore, it has been classified as a Variant of Uncertain Significance.

NM_025137.4(SPG11):c.1681A>G (p.Lys561Glu)

Gene: SPG11 (SPG11 vesicle trafficking associated, spatacsin; minus strand). Cytogenetic location: 15q21.1.
Variant type: single nucleotide variant.
Coding change: c.1681A>G on transcript NM_025137.4 (MANE Select); coding-DNA position 1681, A replaced by G.
Protein change: p.Lys561Glu; replaces lysine 561 with glutamic acid.
Molecular consequence: missense variant.
Genome position (GRCh38, 1-based): chr15:44,633,559, T>C on the plus strand (A>G on the coding strand, the complement: SPG11 is on the minus strand). VCF-style: chr15-44633559-T-C. GRCh37 (hg19) VCF-style: chr15-44925757-T-C.
Other names: c.1681A>G, p.Lys561Glu (NM_001160227.2); short protein forms K561E.
Identifiers: ClinVar variation 466507 (VCV000466507.7), dbSNP rs1189064880, ClinGen allele CA392235283.